The following is an entry in ClinVar:

NC_000011.10:g.(?_66529809)_(66532047_?)del

Gene: BBS1 (Bardet-Biedl syndrome 1; plus strand). Cytogenetic location: 11q13.2.
Variant type: Deletion.
Identifiers: ClinVar variation 832618 (VCV000832618.2).

ClinVar aggregate classification (germline): Pathogenic (1 of 4 stars; one submission).

Conditions:
Bardet-Biedl syndrome (BBS). Identifiers: Orphanet 110, MedGen C0752166, MONDO:0015229.

Submission:

Labcorp Genetics (formerly Invitae), Labcorp
Classification: Pathogenic for Bardet-Biedl syndrome. Last evaluated: 2022-08-09. Review status: criteria provided, single submitter. Criteria: Invitae Variant Classification Sherloc (09022015). Collection method: clinical testing. Allele origin: germline.
Comment: This variant is a gross deletion of the genomic region encompassing exon(s) 14-17 of the BBS1 gene, which includes the termination codon. This deletion extends beyond the assayed region for this gene and therefore may encompass additional genes. While this deletion is not anticipated to lead to nonsense mediated decay, it is expected to alter mRNA translation or result in a truncated protein product. A similar copy number variant has been observed in individual(s) with Bardet-Biedl syndrome (PMID: 27486776). This variant disrupts a region of the BBS1 protein in which other variant(s) (p.Leu539Cysfs*40) have been determined to be pathogenic (PMID: 25170860, 29099798; Invitae). This suggests that this is a clinically significant region of the protein, and that variants that disrupt it are likely to be disease-causing. For these reasons, this variant has been classified as Pathogenic.

Literature cited by the submitters: PubMed 27486776; PubMed 25170860; PubMed 29099798.